The following is an entry in ClinVar:

NM_001130823.3(DNMT1):c.633A>G (p.Glu211=)

Gene: DNMT1 (DNA methyltransferase 1; minus strand). Cytogenetic location: 19p13.2.
Variant type: single nucleotide variant.
Coding change: c.633A>G on transcript NM_001130823.3 (MANE Select); coding-DNA position 633, A replaced by G.
Protein change: p.Glu211=; no amino-acid change (glutamic acid 211 retained).
Molecular consequence: synonymous variant.
Genome position (GRCh38, 1-based): chr19:10,175,555, T>C on the plus strand (A>G on the coding strand, the complement: DNMT1 is on the minus strand). VCF-style: chr19-10175555-T-C. GRCh37 (hg19) VCF-style: chr19-10286231-T-C.
Other names: c.633A>G (LRG_362t1, NM_001130823.2); c.585A>G, p.Glu195= (NM_001318730.2, NM_001379.4); c.270A>G, p.Glu90= (NM_001318731.2).
Identifiers: ClinVar variation 327921 (VCV000327921.41), dbSNP rs141264613, ClinGen allele CA9188681.

ClinVar aggregate classification (germline): Benign/Likely benign. Review status: criteria provided, multiple submitters, no conflicts (2 of 4 stars). 7 submissions from 7 submitters: Benign (4); Likely benign (3). Last evaluated 2025-06-04.

Conditions:
DNMT1-related disorder. Also called: DNMT1-related condition. Identifiers: MedGen CN381527.
Hereditary sensory neuropathy-deafness-dementia syndrome. Also called: Hereditary Sensory and Autonomic Neuropathy Type 1E (HSAN1E); NEUROPATHY, HEREDITARY SENSORY, WITH HEARING LOSS AND DEMENTIA; Hereditary sensory neuropathy type IE; HSN IE. Identifiers: Orphanet 456318, MedGen C3279885, MONDO:0013584, OMIM 614116.

Allele frequency attached by ClinVar (database versions not stated): gnomAD 0.00017 and 0.00025; gnomAD exomes 0.00020 and 0.00037; TOPMed 0.00030; ESP Exome Variant Server 0.00031; ExAC 0.00043; 1000 Genomes Project 30x 0.00094; 1000 Genomes Project 0.00100.
gnomAD v4.1: 339 of 1,614,090 alleles (0.021%); highest among the groups gnomAD compares: South Asian, 0.15%; 3 homozygotes.

Submissions (7):

PreventionGenetics, part of Exact Sciences
Classification: Likely benign for DNMT1-related condition. Last evaluated: 2025-06-04. Review status: criteria provided, single submitter. Criteria: ACMG Guidelines, 2015. Collection method: clinical testing. Allele origin: germline.
Comment: This variant is classified as likely benign based on ACMG/AMP sequence variant interpretation guidelines (Richards et al. 2015 PMID: 25741868, with internal and published modifications).

Labcorp Genetics (formerly Invitae), Labcorp
Classification: Benign for Hereditary sensory neuropathy-deafness-dementia syndrome. Last evaluated: 2025-05-19. Review status: criteria provided, single submitter. Criteria: Invitae Variant Classification Sherloc (09022015). Collection method: clinical testing. Allele origin: germline.

Blueprint Genetics
Classification: Likely benign. Last evaluated: 2024-11-20. Review status: criteria provided, single submitter. Criteria: ACMG Guidelines, 2015. Collection method: clinical testing. Allele origin: germline.

CeGaT Center for Human Genetics Tuebingen
Classification: Likely benign. Last evaluated: 2024-03-01. Review status: criteria provided, single submitter. Criteria: CeGaT Center For Human Genetics Tuebingen Variant Classification Criteria Version 2. Collection method: clinical testing. Allele origin: germline. Affected: yes. Observed: 1 variant allele.
Comment: DNMT1: BP4, BP7

GeneDx
Classification: Benign. Last evaluated: 2020-04-29. Review status: criteria provided, single submitter. Criteria: GeneDx Variant Classification Process June 2021. Collection method: clinical testing. Allele origin: germline. Affected: yes.

Illumina Laboratory Services, Illumina
Classification: Benign for Hereditary sensory neuropathy-deafness-dementia syndrome. Last evaluated: 2018-01-13. Review status: criteria provided, single submitter. Criteria: ICSL Variant Classification Criteria 13 December 2019. Collection method: clinical testing. Allele origin: germline.
Comment: This variant was observed in the ICSL laboratory as part of a predisposition screen in an ostensibly healthy population. It had not been previously curated by ICSL or reported in the Human Gene Mutation Database (HGMD: prior to June 1st, 2018), and was therefore a candidate for classification through an automated scoring system. Utilizing variant allele frequency, disease prevalence and penetrance estimates, and inheritance mode, an automated score was calculated to assess if this variant is too frequent to cause the disease. Based on the score and internal cut-off values, a variant classified as benign is not then subjected to further curation. The score for this variant resulted in a classification of benign for this disease.

Breakthrough Genomics
Classification: Benign. Review status: criteria provided, single submitter. Criteria: ACMG Guidelines, 2015. Collection method: not provided. Allele origin: germline. Inheritance: Autosomal dominant inheritance. Affected: yes.